The following is an entry in ClinVar:

ClinVar aggregate classification (germline): Uncertain significance. Review status: criteria provided, multiple submitters, no conflicts (2 of 4 stars). 2 submissions from 2 submitters: Uncertain significance (2). Last evaluated 2025-04-10.

Conditions:
Hereditary cancer-predisposing syndrome. Also called: Neoplastic Syndromes, Hereditary; Tumor predisposition; Hereditary Cancer Syndrome; Hereditary neoplastic syndrome. Identifiers: Orphanet 140162, MedGen C0027672, MeSH D009386, MONDO:0015356.

Allele frequency attached by ClinVar (database versions not stated): gnomAD exomes below 0.00001; TOPMed below 0.00001; gnomAD 0.00001.
gnomAD v4.1: 3 of 1,603,418 alleles (0.00019%); highest among the groups gnomAD compares: East Asian, 0.0022%; no homozygotes.

Submissions (2):

Labcorp Genetics (formerly Invitae), Labcorp
Classification: Uncertain significance for Hereditary cancer-predisposing syndrome. Last evaluated: 2025-04-10. Review status: criteria provided, single submitter. Criteria: Invitae Variant Classification Sherloc (09022015). Collection method: clinical testing. Allele origin: germline.
Comment: This sequence change replaces aspartic acid, which is acidic and polar, with glycine, which is neutral and non-polar, at codon 804 of the RAD50 protein (p.Asp804Gly). This variant is not present in population databases (gnomAD no frequency). This variant has not been reported in the literature in individuals affected with RAD50-related conditions. ClinVar contains an entry for this variant (Variation ID: 821236). Invitae Evidence Modeling of protein sequence and biophysical properties (such as structural, functional, and spatial information, amino acid conservation, physicochemical variation, residue mobility, and thermodynamic stability) has been performed for this missense variant. However, the output from this modeling did not meet the statistical confidence thresholds required to predict the impact of this variant on RAD50 protein function. In summary, the available evidence is currently insufficient to determine the role of this variant in disease. Therefore, it has been classified as a Variant of Uncertain Significance.

Ambry Genetics
Classification: Uncertain significance for Hereditary cancer-predisposing syndrome. Last evaluated: 2018-09-14. Review status: criteria provided, single submitter. Criteria: Ambry Variant Classification Scheme 2023. Collection method: clinical testing. Allele origin: germline.
Comment: The p.D804G variant (also known as c.2411A>G), located in coding exon 15 of the RAD50 gene, results from an A to G substitution at nucleotide position 2411. The aspartic acid at codon 804 is replaced by glycine, an amino acid with similar properties. This amino acid position is well conserved in available vertebrate species. In addition, the in silico prediction for this alteration is inconclusive. Since supporting evidence is limited at this time, the clinical significance of this alteration remains unclear.

NM_005732.4(RAD50):c.2411A>G (p.Asp804Gly)

Gene: RAD50 (RAD50 double strand break repair protein; plus strand). Cytogenetic location: 5q31.1.
Variant type: single nucleotide variant.
Coding change: c.2411A>G on transcript NM_005732.4 (MANE Select); coding-DNA position 2411, A replaced by G.
Protein change: p.Asp804Gly; replaces aspartic acid 804 with glycine.
Molecular consequence: missense variant.
Genome position (GRCh38, 1-based): chr5:132,603,933, A>G. VCF-style: chr5-132603933-A-G. GRCh37 (hg19) VCF-style: chr5-131939625-A-G.
Other names: short protein forms D804G.
Identifiers: ClinVar variation 821236 (VCV000821236.14), dbSNP rs1188759790, ClinGen allele CA360955346.